The following is an entry in ClinVar:

NM_001009999.3(KDM1A):c.880C>T (p.Pro294Ser)

Gene: KDM1A (lysine demethylase 1A; plus strand). Cytogenetic location: 1p36.12.
Variant type: single nucleotide variant.
Coding change: c.880C>T on transcript NM_001009999.3 (MANE Select); coding-DNA position 880, C replaced by T.
Protein change: p.Pro294Ser; replaces proline 294 with serine.
Molecular consequence: missense variant.
Genome position (GRCh38, 1-based): chr1:23,055,158, C>T. VCF-style: chr1-23055158-C-T. GRCh37 (hg19) VCF-style: chr1-23381651-C-T.
Other names: c.820C>T, p.Pro274Ser (NM_001363654.2, NM_001410763.1, NM_015013.4); c.880C>T, p.Pro294Ser (NM_001410762.1); short protein forms P274S, P294S.
Identifiers: ClinVar variation 3532939 (VCV003532939.1).

ClinVar aggregate classification (germline): Uncertain significance (1 of 4 stars; one submission).

Conditions:
Inborn genetic diseases. Identifiers: MedGen C0950123, MeSH D030342.

gnomAD v4.1: 1 of 1,594,202 alleles (0.000063%); highest among the groups gnomAD compares: African/African-American, 0.0013%; no homozygotes.

Submission:

Ambry Genetics
Classification: Uncertain significance for Inborn genetic diseases. Last evaluated: 2024-11-25. Review status: criteria provided, single submitter. Criteria: Ambry Variant Classification Scheme 2023. Collection method: clinical testing. Allele origin: germline.
Comment: The p.P294S variant (also known as c.880C>T), located in coding exon 6 of the KDM1A gene, results from a C to T substitution at nucleotide position 880. The proline at codon 294 is replaced by serine, an amino acid with similar properties. This amino acid position is conserved. In addition, this alteration is predicted to be tolerated by in silico analysis. Based on the available evidence, the clinical significance of this variant remains unclear.